The following is an entry in ClinVar:

ClinVar aggregate classification (germline): Benign/Likely benign. Review status: criteria provided, multiple submitters, no conflicts (2 of 4 stars). 4 submissions from 4 submitters: Benign (1); Likely benign (1). 2 of the submissions do not count toward it. Last evaluated 2026-02-01.

Conditions:
Nephronophthisis. Also called: Juvenile Nephronophthisis. Identifiers: Orphanet 655, MedGen C0687120, MONDO:0019005, HP:0000090.
Meckel-Gruber syndrome. Also called: DYSENCEPHALIA SPLANCHNOCYSTICA; GRUBER SYNDROME; Dysencephalia splachnocystica. Identifiers: Orphanet 564, MedGen C0265215, MONDO:0018921.
Joubert syndrome. Also called: JOUBERT-BOLTSHAUSER SYNDROME; Familial aplasia of the vermis. Identifiers: Orphanet 475, MedGen C5979921, MONDO:0018772.
CEP290-related disorder. Also called: CEP290-related condition; CEP290-related disorders. Identifiers: MedGen CN239314.
Leber congenital amaurosis (LCA). Also called: Leber's amaurosis. Identifiers: Orphanet 65, MedGen C0339527, MeSH D057130, MONDO:0018998.

Allele frequency attached by ClinVar (database versions not stated): TOPMed 0.00005; gnomAD exomes 0.00019 and 0.00044; gnomAD 0.00026 and 0.00029; ExAC 0.00054.
gnomAD v4.1: 316 of 1,590,660 alleles (0.02%); highest among the groups gnomAD compares: Non-Finnish European, 0.0073%; no homozygotes.

Submissions (4):

Labcorp Genetics (formerly Invitae), Labcorp
Classification: Benign for Joubert syndrome; Meckel-Gruber syndrome; Nephronophthisis. Last evaluated: 2026-02-01. Review status: criteria provided, single submitter. Criteria: Invitae Variant Classification Sherloc (09022015). Collection method: clinical testing. Allele origin: germline.

Blueprint Genetics
Classification: Likely benign. Last evaluated: 2024-08-08. Review status: criteria provided, single submitter. Criteria: ACMG Guidelines, 2015. Collection method: clinical testing. Allele origin: germline.

PreventionGenetics, part of Exact Sciences
Classification: Likely benign for CEP290-related condition. Last evaluated: 2020-07-28. Review status: no assertion criteria provided. Collection method: clinical testing. Allele origin: germline. Not counted in ClinVar's aggregate classification.
Comment: This variant is classified as likely benign based on ACMG/AMP sequence variant interpretation guidelines (Richards et al. 2015 PMID: 25741868, with internal and published modifications).

Natera, Inc.
Classification: Uncertain significance for Leber congenital amaurosis. Last evaluated: 2020-03-11. Review status: no assertion criteria provided. Collection method: clinical testing. Allele origin: germline. Not counted in ClinVar's aggregate classification.

NM_025114.4(CEP290):c.6078A>G (p.Gln2026=)

Gene: CEP290 (centrosomal protein 290; minus strand). Cytogenetic location: 12q21.32.
Variant type: single nucleotide variant.
Coding change: c.6078A>G on transcript NM_025114.4 (MANE Select); coding-DNA position 6078, A replaced by G.
Protein change: p.Gln2026=; no amino-acid change (glutamine 2026 retained).
Molecular consequence: synonymous variant.
Genome position (GRCh38, 1-based): chr12:88,068,579, T>C on the plus strand (A>G on the coding strand, the complement: CEP290 is on the minus strand). VCF-style: chr12-88068579-T-C. GRCh37 (hg19) VCF-style: chr12-88462356-T-C.
Identifiers: ClinVar variation 701465 (VCV000701465.13), dbSNP rs763570903, ClinGen allele CA6711580.